The following is an entry in ClinVar:

NM_020458.4(TTC7A):c.1642-4A>G

Gene: TTC7A (tetratricopeptide repeat domain 7A; plus strand). Cytogenetic location: 2p21.
Variant type: single nucleotide variant.
Coding change: c.1642-4A>G on transcript NM_020458.4 (MANE Select); 4 bases into the intron before coding-DNA position 1642, A replaced by G.
Molecular consequence: intron variant.
Genome position (GRCh38, 1-based): chr2:47,029,220, A>G. VCF-style: chr2-47029220-A-G. GRCh37 (hg19) VCF-style: chr2-47256359-A-G.
Other names: c.1540-4A>G (NM_001288953.2); c.1642-4A>G (NM_001288951.2); c.580-4A>G (NM_001288955.2).
Identifiers: ClinVar variation 953294 (VCV000953294.7), dbSNP rs1488211803, ClinGen allele CA532704498.

ClinVar aggregate classification (germline): Uncertain significance (1 of 4 stars; one submission).

Conditions:
Multiple gastrointestinal atresias. Also called: Multiple intestinal atresia; FAMILIAL INTESTINAL POLYATRESIA SYNDROME. Identifiers: Orphanet 2300, MedGen C0220744, MONDO:0009465.

Allele frequency attached by ClinVar (database versions not stated): gnomAD 0.00001; gnomAD exomes 0.00001; TOPMed 0.00002.
gnomAD v4.1: 8 of 1,613,484 alleles (0.0005%); highest among the groups gnomAD compares: Admixed American, 0.0083%; no homozygotes.

Submission:

Labcorp Genetics (formerly Invitae), Labcorp
Classification: Uncertain significance for Multiple gastrointestinal atresias. Last evaluated: 2022-01-17. Review status: criteria provided, single submitter. Criteria: Invitae Variant Classification Sherloc (09022015). Collection method: clinical testing. Allele origin: germline.
Comment: This sequence change falls in intron 14 of the TTC7A gene. It does not directly change the encoded amino acid sequence of the TTC7A protein. This variant is present in population databases (no rsID available, gnomAD 0.006%). This variant has not been reported in the literature in individuals affected with TTC7A-related conditions. ClinVar contains an entry for this variant (Variation ID: 953294). Algorithms developed to predict the effect of sequence changes on RNA splicing suggest that this variant may disrupt the consensus splice site. In summary, the available evidence is currently insufficient to determine the role of this variant in disease. Therefore, it has been classified as a Variant of Uncertain Significance.